The following is an entry in ClinVar:

NM_013450.4(BAZ2B):c.1265T>C (p.Leu422Ser)

Genes: BAZ2B (bromodomain adjacent to zinc finger domain 2B; minus strand), LOC126806391 (MED14-independent group 3 enhancer GRCh37_chr2:160294250-160295449; plus strand). Cytogenetic location: 2q24.2.
Variant type: single nucleotide variant.
Coding change: c.1265T>C on transcript NM_013450.4 (MANE Select); coding-DNA position 1265, T replaced by C.
Protein change: p.Leu422Ser; replaces leucine 422 with serine.
Molecular consequence: missense variant.
Genome position (GRCh38, 1-based): chr2:159,438,331, A>G on the plus strand (T>C on the coding strand, the complement: BAZ2B is on the minus strand). VCF-style: chr2-159438331-A-G. GRCh37 (hg19) VCF-style: chr2-160294842-A-G.
Other names: c.1259T>C, p.Leu420Ser (NM_001289975.1); c.1076T>C, p.Leu359Ser (NM_001329857.2); c.1265T>C, p.Leu422Ser (NM_001329858.2); short protein forms L359S, L420S, L422S.
Identifiers: ClinVar variation 3056795 (VCV003056795.2), dbSNP rs3213790, ClinGen allele CA1924966.

ClinVar aggregate classification (germline): Benign (0 of 4 stars; one submission).

Conditions:
BAZ2B-related disorder. Also called: BAZ2B-related condition.

Allele frequency attached by ClinVar (database versions not stated): gnomAD exomes 0.12553; TOPMed 0.12680; gnomAD 0.12946; ESP Exome Variant Server 0.13525; ExAC 0.13570; 1000 Genomes Project 0.14477; 1000 Genomes Project 30x 0.14522.
gnomAD v4.1: 204,200 of 1,612,980 alleles (13%); highest among the groups gnomAD compares: South Asian, 24%; 14,454 homozygotes.

Submission:

PreventionGenetics, part of Exact Sciences
Classification: Benign for BAZ2B-related condition. Last evaluated: 2019-12-20. Review status: no assertion criteria provided. Collection method: clinical testing. Allele origin: germline.
Comment: This variant is classified as benign based on ACMG/AMP sequence variant interpretation guidelines (Richards et al. 2015 PMID: 25741868, with internal and published modifications).